The following is an entry in ClinVar:

NM_022124.6(CDH23):c.9152A>G (p.Gln3051Arg)

Gene: CDH23 (cadherin related 23; plus strand). Cytogenetic location: 10q22.1.
Variant type: single nucleotide variant.
Coding change: c.9152A>G on transcript NM_022124.6 (MANE Select); coding-DNA position 9152, A replaced by G.
Protein change: p.Gln3051Arg; replaces glutamine 3051 with arginine.
Molecular consequence: missense variant.
Genome position (GRCh38, 1-based): chr10:71,811,389, A>G. VCF-style: chr10-71811389-A-G. GRCh37 (hg19) VCF-style: chr10-73571146-A-G.
Other names: c.2432A>G, p.Gln811Arg (NM_001171933.1, NM_001171934.1); short protein forms Q3051R, Q811R.
Identifiers: ClinVar variation 1518247 (VCV001518247.8), dbSNP rs2133001488, ClinGen allele CA377134796.

ClinVar aggregate classification (germline): Uncertain significance (1 of 4 stars; one submission).

Submission:

Labcorp Genetics (formerly Invitae), Labcorp
Classification: Uncertain significance. Last evaluated: 2023-08-04. Review status: criteria provided, single submitter. Criteria: Invitae Variant Classification Sherloc (09022015). Collection method: clinical testing. Allele origin: germline.
Comment: This sequence change replaces glutamine, which is neutral and polar, with arginine, which is basic and polar, at codon 3051 of the CDH23 protein (p.Gln3051Arg). This variant is not present in population databases (gnomAD no frequency). This variant has not been reported in the literature in individuals affected with CDH23-related conditions. ClinVar contains an entry for this variant (Variation ID: 1518247). Advanced modeling of protein sequence and biophysical properties (such as structural, functional, and spatial information, amino acid conservation, physicochemical variation, residue mobility, and thermodynamic stability) performed at Invitae indicates that this missense variant is not expected to disrupt CDH23 protein function. In summary, the available evidence is currently insufficient to determine the role of this variant in disease. Therefore, it has been classified as a Variant of Uncertain Significance.